The following is an entry in ClinVar:

NM_001267550.2(TTN):c.39295+9G>C

Gene: TTN (titin; minus strand). Cytogenetic location: 2q31.2.
Variant type: single nucleotide variant.
Coding change: c.39295+9G>C on transcript NM_001267550.2 (MANE Select); 9 bases into the intron after coding-DNA position 39295, G replaced by C.
Molecular consequence: intron variant.
Genome position (GRCh38, 1-based): chr2:178,652,087, C>G on the plus strand (G>C on the coding strand, the complement: TTN is on the minus strand). VCF-style: chr2-178652087-C-G. GRCh37 (hg19) VCF-style: chr2-179516814-C-G.
Other names: c.13283-9770G>C (NM_003319.4); c.13859-9770G>C (NM_133437.4); c.13658-9770G>C (NM_133432.3); c.31993+9G>C (NM_133378.4); c.34774+9G>C (NM_001256850.1).
Identifiers: ClinVar variation 2682495 (VCV002682495.3), dbSNP rs747975523, ClinGen allele CA1996789.
Genomic context (GRCh38, chr2:178,652,087, plus strand): 5'-AAAAATGTTTTTACAACACTAAGGAAAGATTTTTTTAAAAAACACTAATTTGAATAGTTT[C>G]ATTATTACCTTCAGGGGGAGGACTTTCCGGTTTGGGAGGAATAGCTTCAGGCACCTTCTT-3'

ClinVar aggregate classification (germline): Likely benign. Review status: criteria provided, multiple submitters, no conflicts (2 of 4 stars). 2 submissions from 2 submitters: Likely benign (2). Last evaluated 2024-03-27.

Conditions:
Dilated cardiomyopathy 1G (CMD1G). Identifiers: Orphanet 154, MedGen C1858763, MONDO:0011400, OMIM 604145.
Autosomal recessive limb-girdle muscular dystrophy type 2J (LGMDR10). Also called: MUSCULAR DYSTROPHY, LIMB-GIRDLE, AUTOSOMAL RECESSIVE 10; Limb-girdle muscular dystrophy, type 2J. Identifiers: Orphanet 140922, MedGen C1837342, MONDO:0012127, OMIM 608807.

Allele frequency attached by ClinVar (database versions not stated): ExAC 0.00001.
gnomAD v4.1: 2 of 1,613,340 alleles (0.00012%); highest among the groups gnomAD compares: Non-Finnish European, 0.00017%; no homozygotes.

Submissions (2):

Labcorp Genetics (formerly Invitae), Labcorp
Classification: Likely benign for Dilated cardiomyopathy 1G; Autosomal recessive limb-girdle muscular dystrophy type 2J. Last evaluated: 2024-03-27. Review status: criteria provided, single submitter. Criteria: Invitae Variant Classification Sherloc (09022015). Collection method: clinical testing. Allele origin: germline.

Women's Health and Genetics/Laboratory Corporation of America, LabCorp
Classification: Likely benign. Last evaluated: 2023-11-13. Review status: criteria provided, single submitter. Criteria: LabCorp Variant Classification Summary - May 2015. Collection method: clinical testing. Allele origin: germline.
Comment: Variant summary: TTN c.31993+9G>C alters a non-conserved nucleotide located at a position not widely known to affect splicing. Consensus agreement among computational tools predict no significant impact on normal splicing. However, these predictions have yet to be confirmed by functional studies. The variant allele was found at a frequency of 4e-06 in 248798 control chromosomes (gnomAD). The available data on variant occurrences in the general population are insufficient to allow any conclusion about variant significance. To our knowledge, no occurrence of c.31993+9G>C in individuals affected with Dilated Cardiomyopathy or other TTN-related conditions and no experimental evidence demonstrating its impact on protein function have been reported. No submitters have cited clinical-significance assessments for this variant to ClinVar after 2014. Based on the evidence outlined above, the variant was classified as likely benign.